The following is an entry in ClinVar:

NM_001940.4(ATN1):c.2619C>G (p.Pro873=)

Gene: ATN1 (atrophin 1; plus strand). Cytogenetic location: 12p13.31.
Variant type: single nucleotide variant.
Coding change: c.2619C>G on transcript NM_001940.4 (MANE Select); coding-DNA position 2619, C replaced by G.
Protein change: p.Pro873=; no amino-acid change (proline 873 retained).
Molecular consequence: synonymous variant.
Genome position (GRCh38, 1-based): chr12:6,938,582, C>G. VCF-style: chr12-6938582-C-G. GRCh37 (hg19) VCF-style: chr12-7047745-C-G.
Other names: p.Pro873=; c.2619C>G, p.Pro873= (NM_001007026.2, NM_001424176.1, NM_001424177.1 and 1 more transcripts); c.2616C>G, p.Pro872= (NM_001424179.1, NM_001424180.1); c.2595C>G, p.Pro865= (NM_001424182.1).
Identifiers: ClinVar variation 3766921 (VCV003766921.4).

ClinVar aggregate classification (germline): Benign/Likely benign. Review status: criteria provided, multiple submitters, no conflicts (2 of 4 stars). 4 submissions from 4 submitters: Benign (1); Likely benign (3). Last evaluated 2026-08-01.

gnomAD v4.1: 169 of 1,614,106 alleles (0.01%); highest among the groups gnomAD compares: Admixed American, 0.27%; no homozygotes.

Submissions (4):

CeGaT Center for Human Genetics Tuebingen
Classification: Likely benign. Last evaluated: 2026-08-01. Review status: criteria provided, single submitter. Criteria: CeGaT Center For Human Genetics Tuebingen Variant Classification Criteria Version 2. Collection method: clinical testing. Allele origin: germline. Affected: yes. Observed: 2 variant alleles.
Comment: ATN1: BP4, BP7, BS1

Mayo Clinic Laboratories, Mayo Clinic
Classification: Likely benign. Last evaluated: 2025-03-11. Review status: criteria provided, single submitter. Criteria: ACMG Guidelines, 2015. Collection method: clinical testing. Allele origin: germline. Observed: 1 variant allele.
Comment: BS1, BP4, BP7

ARUP Laboratories, Molecular Genetics and Genomics, ARUP Laboratories
Classification: Benign. Last evaluated: 2024-10-23. Review status: criteria provided, single submitter. Criteria: ARUP Molecular Germline Variant Investigation Process 2024. Collection method: clinical testing. Allele origin: germline.

Blueprint Genetics
Classification: Likely benign. Last evaluated: 2024-10-07. Review status: criteria provided, single submitter. Criteria: ACMG Guidelines, 2015. Collection method: clinical testing. Allele origin: germline.